The following is an entry in ClinVar:

ClinVar aggregate classification (germline): Uncertain significance (1 of 4 stars; one submission).

Allele frequency attached by ClinVar (database versions not stated): ExAC 0.00002; gnomAD exomes 0.00002 and 0.00003; TOPMed 0.00002; gnomAD 0.00006 and 0.00007; 1000 Genomes Project 30x 0.00016; 1000 Genomes Project 0.00020.
gnomAD v4.1: 41 of 1,614,048 alleles (0.0025%); highest among the groups gnomAD compares: Non-Finnish European, 0.0021%; no homozygotes.

Submission:

Labcorp Genetics (formerly Invitae), Labcorp
Classification: Uncertain significance. Last evaluated: 2021-09-09. Review status: criteria provided, single submitter. Criteria: Invitae Variant Classification Sherloc (09022015). Collection method: clinical testing. Allele origin: germline.
Comment: This sequence change replaces proline with serine at codon 435 of the GRM6 protein (p.Pro435Ser). The proline residue is moderately conserved and there is a moderate physicochemical difference between proline and serine. In summary, the available evidence is currently insufficient to determine the role of this variant in disease. Therefore, it has been classified as a Variant of Uncertain Significance. Advanced modeling of protein sequence and biophysical properties (such as structural, functional, and spatial information, amino acid conservation, physicochemical variation, residue mobility, and thermodynamic stability) performed at Invitae indicates that this missense variant is not expected to disrupt GRM6 protein function. This variant has not been reported in the literature in individuals affected with GRM6-related conditions. This variant is present in population databases (rs200167284, ExAC 0.005%).

NM_000843.4(GRM6):c.1303C>T (p.Pro435Ser)

Genes: GRM6 (glutamate metabotropic receptor 6; minus strand), ZNF454 (zinc finger protein 454; plus strand). Cytogenetic location: 5q35.3.
Variant type: single nucleotide variant.
Coding change: c.1303C>T on transcript NM_000843.4 (MANE Select); coding-DNA position 1303, C replaced by T.
Protein change: p.Pro435Ser; replaces proline 435 with serine.
Molecular consequence: missense variant.
Genome position (GRCh38, 1-based): chr5:178,988,986, G>A on the plus strand (C>T on the coding strand, the complement: GRM6 is on the minus strand). VCF-style: chr5-178988986-G-A. GRCh37 (hg19) VCF-style: chr5-178415987-G-A.
Other names: short protein forms P435S.
Identifiers: ClinVar variation 1419110 (VCV001419110.6), dbSNP rs200167284, ClinGen allele CA3594131.